The following is an entry in ClinVar:

NM_004260.4(RECQL4):c.3101C>G (p.Ala1034Gly)

Gene: RECQL4 (RecQ like helicase 4; minus strand). Cytogenetic location: 8q24.3.
Variant type: single nucleotide variant.
Coding change: c.3101C>G on transcript NM_004260.4 (MANE Select); coding-DNA position 3101, C replaced by G.
Protein change: p.Ala1034Gly; replaces alanine 1034 with glycine.
Molecular consequence: missense variant. On other transcripts: non-coding transcript variant (2).
Genome position (GRCh38, 1-based): chr8:144,512,279, G>C on the plus strand (C>G on the coding strand, the complement: RECQL4 is on the minus strand). VCF-style: chr8-144512279-G-C. GRCh37 (hg19) VCF-style: chr8-145737662-G-C.
Other names: c.3005C>G, p.Ala1002Gly (NM_001413020.1); c.2030C>G, p.Ala677Gly (NM_001413021.1, NM_001413022.1, NM_001413024.1 and 4 more transcripts); c.2105C>G, p.Ala702Gly (NM_001413023.1); c.2972C>G, p.Ala991Gly (NM_001413025.1); c.1964C>G, p.Ala655Gly (NM_001413027.1, NM_001413032.1, NM_001413030.1); c.2969C>G, p.Ala990Gly (NM_001413033.1); c.2750C>G, p.Ala917Gly (NM_001413029.1); c.1832C>G, p.Ala611Gly (NM_001413031.1, NM_001413038.1); and 9 more; short protein forms A545G, A655G, A680G, A917G, A968G, A1034G, A1059G, A936G.
Identifiers: ClinVar variation 2702256 (VCV002702256.3), dbSNP rs1586793697, ClinGen allele CA372670650.
Genomic context (GRCh38, chr8:144,512,279, plus strand): 5'-AAGTCACATATCTGGTCCTTCTCCTCAGCGGTCAAGTCCCCCGGGCTGCGAAGGTGGAAG[G>C]CCAGCTCACTGAACTCCACAAGCACCCCTGTCCCACGCCGCACACCTGCCGGAAAGCATG-3'
Protein context (NP_004251.4, residues 1024-1044): TGVLVEFSEL[Ala1034Gly]FHLRSPGDLT

ClinVar aggregate classification (germline): Uncertain significance (1 of 4 stars; one submission).

Conditions:
Baller-Gerold syndrome (BGS). Also called: CRANIOSYNOSTOSIS WITH RADIAL DEFECTS. Identifiers: Orphanet 1225, MedGen C0265308, MONDO:0009039, OMIM 218600.

Submission:

Labcorp Genetics (formerly Invitae), Labcorp
Classification: Uncertain significance for Baller-Gerold syndrome. Last evaluated: 2025-05-30. Review status: criteria provided, single submitter. Criteria: Invitae Variant Classification Sherloc (09022015). Collection method: clinical testing. Allele origin: germline.
Comment: This sequence change replaces alanine, which is neutral and non-polar, with glycine, which is neutral and non-polar, at codon 1034 of the RECQL4 protein (p.Ala1034Gly). This variant is not present in population databases (gnomAD no frequency). This variant has not been reported in the literature in individuals affected with RECQL4-related conditions. ClinVar contains an entry for this variant (Variation ID: 2702256). Invitae Evidence Modeling of protein sequence and biophysical properties (such as structural, functional, and spatial information, amino acid conservation, physicochemical variation, residue mobility, and thermodynamic stability) indicates that this missense variant is not expected to disrupt RECQL4 protein function with a negative predictive value of 80%. In summary, the available evidence is currently insufficient to determine the role of this variant in disease. Therefore, it has been classified as a Variant of Uncertain Significance.